The following is an entry in ClinVar:

NM_130837.3(OPA1):c.556+2T>G

Gene: OPA1 (OPA1 mitochondrial dynamin like GTPase; plus strand). Cytogenetic location: 3q29.
Variant type: single nucleotide variant.
Coding change: c.556+2T>G on transcript NM_130837.3 (MANE Select); the canonical splice donor site of the intron after coding-DNA position 556, T replaced by G.
Molecular consequence: splice donor variant. On other transcripts: intron variant (5).
Genome position (GRCh38, 1-based): chr3:193,617,287, T>G. VCF-style: chr3-193617287-T-G. GRCh37 (hg19) VCF-style: chr3-193335076-T-G.
Other names: c.184+2T>G (NM_001354664.2); c.76+1517T>G (NM_001354663.2); c.556+2T>G (NM_130834.3, NM_130836.3, NM_015560.3); c.449-497T>G (NM_130835.3, NM_130832.3); c.448+1517T>G (NM_130833.3, NM_130831.3).
Identifiers: ClinVar variation 900791 (VCV000900791.10), dbSNP rs762390227, ClinGen allele CA2759043.
Genomic context (GRCh38, chr3:193,617,287, plus strand): 5'-ACCAGACTTTGACAAGATTGTTGAAAGCCTTAGCTTATTGAAGGACTTTTTTACCTCAGG[T>G]AAGGAAGAAGCTGTTTGATCTAATTTAAAAATTTAAGAACCATGGAGGAAAAATACATGG-3'

ClinVar aggregate classification (germline): Conflicting classifications of pathogenicity. Review status: criteria provided, conflicting classifications (1 of 4 stars). 3 submissions from 3 submitters: Likely pathogenic (2); Uncertain significance (1). Last evaluated 2024-12-04.

Conditions:
Autosomal dominant optic atrophy classic form (OPA1). Also called: KJER-TYPE OPTIC ATROPHY; OPTIC ATROPHY, JUVENILE; Optic Atrophy Type 1. Identifiers: Orphanet 98673, MedGen C0338508, MONDO:0008134, OMIM 165500.

Allele frequency attached by ClinVar (database versions not stated): ExAC 0.00001; gnomAD exomes 0.00002 and below 0.00001; TOPMed 0.00002.
gnomAD v4.1: 2 of 1,557,178 alleles (0.00013%); highest among the groups gnomAD compares: East Asian, 0.0045%; no homozygotes.

Submissions (3):

GeneDx
Classification: Likely pathogenic. Last evaluated: 2024-12-04. Review status: criteria provided, single submitter. Criteria: GeneDx Variant Classification Process June 2021. Collection method: clinical testing. Allele origin: germline. Affected: yes.
Comment: Canonical splice site variant predicted to result in an in-frame loss of the adjacent exon in a gene for which loss of function is a known mechanism of disease; This variant is associated with the following publications: (PMID: 26867657, 31980526, 33884488)

Labcorp Genetics (formerly Invitae), Labcorp
Classification: Likely pathogenic. Last evaluated: 2024-02-24. Review status: criteria provided, single submitter. Criteria: Invitae Variant Classification Sherloc (09022015). Collection method: clinical testing. Allele origin: germline.
Comment: This sequence change affects a donor splice site in intron 4 of the OPA1 gene. It is expected to disrupt RNA splicing. Variants that disrupt the donor or acceptor splice site typically lead to a loss of protein function (PMID: 16199547), and loss-of-function variants in OPA1 are known to be pathogenic (PMID: 11440988, 20157015, 20952381, 25012220). This variant is present in population databases (rs762390227, gnomAD 0.03%). Disruption of this splice site has been observed in individual(s) with optic neuropathy or atrophy (PMID: 26867657, 33884488). ClinVar contains an entry for this variant (Variation ID: 900791). Algorithms developed to predict the effect of sequence changes on RNA splicing suggest that this variant may disrupt the consensus splice site. In summary, the currently available evidence indicates that the variant is pathogenic, but additional data are needed to prove that conclusively. Therefore, this variant has been classified as Likely Pathogenic.

Illumina Laboratory Services, Illumina
Classification: Uncertain significance for Autosomal dominant optic atrophy classic form. Last evaluated: 2019-01-13. Review status: criteria provided, single submitter. Criteria: ICSL Variant Classification Criteria 13 December 2019. Collection method: clinical testing. Allele origin: germline.

Literature cited by the submitters: PubMed 16199547 (cited by Labcorp Genetics (formerly Invitae), Labcorp); PubMed 11440988 (cited by Labcorp Genetics (formerly Invitae), Labcorp); PubMed 20157015 (cited by Labcorp Genetics (formerly Invitae), Labcorp); PubMed 20952381 (cited by Labcorp Genetics (formerly Invitae), Labcorp); PubMed 25012220 (cited by Labcorp Genetics (formerly Invitae), Labcorp); PubMed 26867657 (cited by Labcorp Genetics (formerly Invitae), Labcorp); PubMed 33884488 (cited by Labcorp Genetics (formerly Invitae), Labcorp).